The following is an entry in ClinVar:

ClinVar aggregate classification (germline): Uncertain significance (1 of 4 stars; one submission).

gnomAD v4.1: 1 of 1,614,192 alleles (0.000062%); highest among the groups gnomAD compares: Non-Finnish European, 0.000085%; no homozygotes.

Submission:

Labcorp Genetics (formerly Invitae), Labcorp
Classification: Uncertain significance. Last evaluated: 2025-05-01. Review status: criteria provided, single submitter. Criteria: Invitae Variant Classification Sherloc (09022015). Collection method: clinical testing. Allele origin: germline.
Comment: This sequence change replaces alanine, which is neutral and non-polar, with valine, which is neutral and non-polar, at codon 1217 of the SETBP1 protein (p.Ala1217Val). This variant is not present in population databases (gnomAD no frequency). This variant has not been reported in the literature in individuals affected with SETBP1-related conditions. Invitae Evidence Modeling of protein sequence and biophysical properties (such as structural, functional, and spatial information, amino acid conservation, physicochemical variation, residue mobility, and thermodynamic stability) indicates that this missense variant is not expected to disrupt SETBP1 protein function with a negative predictive value of 80%. In summary, the available evidence is currently insufficient to determine the role of this variant in disease. Therefore, it has been classified as a Variant of Uncertain Significance.

NM_015559.3(SETBP1):c.3650C>T (p.Ala1217Val)

Gene: SETBP1 (SET binding protein 1; plus strand). Cytogenetic location: 18q12.3.
Variant type: single nucleotide variant.
Coding change: c.3650C>T on transcript NM_015559.3 (MANE Select); coding-DNA position 3650, C replaced by T.
Protein change: p.Ala1217Val; replaces alanine 1217 with valine.
Molecular consequence: missense variant.
Genome position (GRCh38, 1-based): chr18:44,952,990, C>T. VCF-style: chr18-44952990-C-T. GRCh37 (hg19) VCF-style: chr18-42532955-C-T.
Other names: c.3650C>T, p.Ala1217Val (NM_001379141.1, NM_001379142.1, NM_001410862.1); short protein forms A1217V.
Identifiers: ClinVar variation 4745363 (VCV004745363.1).